The following is an entry in ClinVar:

ClinVar aggregate classification (germline): Likely benign (1 of 4 stars; one submission).

Allele frequency attached by ClinVar (database versions not stated): ExAC 0.00003.
gnomAD v4.1: 35 of 1,603,260 alleles (0.0022%); highest among the groups gnomAD compares: African/African-American, 0.017%; no homozygotes.

Submission:

Women's Health and Genetics/Laboratory Corporation of America, LabCorp
Classification: Likely benign. Last evaluated: 2023-11-08. Review status: criteria provided, single submitter. Criteria: LabCorp Variant Classification Summary - May 2015. Collection method: clinical testing. Allele origin: germline.
Comment: Variant summary: CACNB4 c.699+15T>C alters a non-conserved nucleotide located at a position not widely known to affect splicing. Consensus agreement among computation tools predict no significant impact on normal splicing. However, these predictions have yet to be confirmed by functional studies. The variant allele was found at a frequency of 1.2e-05 in 247986 control chromosomes. The available data on variant occurrences in the general population are insufficient to allow any conclusion about variant significance. To our knowledge, no occurrence of c.699+15T>C in individuals affected with Episodic Ataxia Type 5 and no experimental evidence demonstrating its impact on protein function have been reported. No submitters have cited clinical-significance assessments for this variant to ClinVar after 2014. Based on the evidence outlined above, the variant was classified as likely benign.

NM_000726.5(CACNB4):c.699+15T>C

Gene: CACNB4 (calcium voltage-gated channel auxiliary subunit beta 4; minus strand). Cytogenetic location: 2q23.3.
Variant type: single nucleotide variant.
Coding change: c.699+15T>C on transcript NM_000726.5 (MANE Select); 15 bases into the intron after coding-DNA position 699, T replaced by C.
Molecular consequence: intron variant.
Genome position (GRCh38, 1-based): chr2:151,870,516, A>G on the plus strand (T>C on the coding strand, the complement: CACNB4 is on the minus strand). VCF-style: chr2-151870516-A-G. GRCh37 (hg19) VCF-style: chr2-152727030-A-G.
Other names: c.699+15T>C (NM_001145798.2); c.625+15T>C (NM_001330113.2); c.645+15T>C (NM_001005746.4); c.577+15T>C (NM_001330115.2); c.597+15T>C (NM_001005747.4); c.538+15T>C (NM_001330116.2); c.45+15T>C (NM_001330114.2); c.558+15T>C (NM_001320722.3, NM_001330118.1); and 1 more.
Identifiers: ClinVar variation 2682390 (VCV002682390.1), dbSNP rs779855345, ClinGen allele CA1912544.
Genomic context (GRCh38, chr2:151,870,516, plus strand): 5'-TGAGGAGCAAGCGTCAACATGACTGTCTCCTGGGTGCTCGATCAAGAACTGAAGAGTAAC[A>G]GATGATATTTGTACCTCGTAACCTTTCAGTGACGGCCCCACTAACACCACCGGACGCATT-3'